The following is an entry in ClinVar:

ClinVar aggregate classification (germline): Uncertain significance. Review status: criteria provided, multiple submitters, no conflicts (2 of 4 stars). 2 submissions from 2 submitters: Uncertain significance (2). Last evaluated 2024-05-15.

Conditions:
Pyruvate carboxylase deficiency. Also called: ATAXIA WITH LACTIC ACIDOSIS II; Pyruvate Carboxylase Deficiency Disease; LEIGH NECROTIZING ENCEPHALOPATHY DUE TO PYRUVATE CARBOXYLASE DEFICIENCY; LEIGH SYNDROME DUE TO PYRUVATE CARBOXYLASE DEFICIENCY; PC DEFICIENCY. Identifiers: Orphanet 3008, MedGen C0034341, MONDO:0009949, OMIM 266150.

Submissions (2):

Labcorp Genetics (formerly Invitae), Labcorp
Classification: Uncertain significance for Pyruvate carboxylase deficiency. Last evaluated: 2024-05-15. Review status: criteria provided, single submitter. Criteria: Invitae Variant Classification Sherloc (09022015). Collection method: clinical testing. Allele origin: germline.
Comment: This sequence change replaces valine, which is neutral and non-polar, with leucine, which is neutral and non-polar, at codon 1148 of the PC protein (p.Val1148Leu). This variant is not present in population databases (gnomAD no frequency). This variant has not been reported in the literature in individuals affected with PC-related conditions. ClinVar contains an entry for this variant (Variation ID: 878841). Advanced modeling of protein sequence and biophysical properties (such as structural, functional, and spatial information, amino acid conservation, physicochemical variation, residue mobility, and thermodynamic stability) performed at Invitae indicates that this missense variant is not expected to disrupt PC protein function with a negative predictive value of 95%. In summary, the available evidence is currently insufficient to determine the role of this variant in disease. Therefore, it has been classified as a Variant of Uncertain Significance.

Illumina Laboratory Services, Illumina
Classification: Uncertain significance for Pyruvate carboxylase deficiency. Last evaluated: 2018-01-13. Review status: criteria provided, single submitter. Criteria: ICSL Variant Classification Criteria 13 December 2019. Collection method: clinical testing. Allele origin: germline.

NM_001040716.2(PC):c.3442G>T (p.Val1148Leu)

Gene: PC (pyruvate carboxylase; minus strand). Cytogenetic location: 11q13.2.
Variant type: single nucleotide variant.
Coding change: c.3442G>T on transcript NM_001040716.2 (MANE Select); coding-DNA position 3442, G replaced by T.
Protein change: p.Val1148Leu; replaces valine 1148 with leucine.
Molecular consequence: missense variant.
Genome position (GRCh38, 1-based): chr11:66,848,994, C>A on the plus strand (G>T on the coding strand, the complement: PC is on the minus strand). VCF-style: chr11-66848994-C-A. GRCh37 (hg19) VCF-style: chr11-66616465-C-A.
Other names: c.3442G>T, p.Val1148Leu (NM_000920.4, NM_022172.3); short protein forms V1148L.
Identifiers: ClinVar variation 878841 (VCV000878841.10), dbSNP rs1298569042, ClinGen allele CA381489294.
Genomic context (GRCh38, chr11:66,848,994, plus strand): 5'-GTGTCATGTCCTTGGTCACATGAACCTTGCGGACAGTACCCTCCATGGGTGAGGTCACCA[C>A]AGTCTCCATCTTCATGGCACTGAGCACACACAGGGGCTGGCCCTTGGCCACCTTGGCCCC-3'
Protein context (NP_001035806.1, residues 1138-1158): CVLSAMKMET[Val1148Leu]VTSPMEGTVR